The following is an entry in ClinVar:

NM_002528.7(NTHL1):c.190G>C (p.Asp64His)

Gene: NTHL1 (nth like DNA glycosylase 1; minus strand). Cytogenetic location: 16p13.3.
Variant type: single nucleotide variant.
Coding change: c.190G>C on transcript NM_002528.7 (MANE Select); coding-DNA position 190, G replaced by C.
Protein change: p.Asp64His; replaces aspartic acid 64 with histidine.
Molecular consequence: missense variant. On other transcripts: synonymous variant (1).
Genome position (GRCh38, 1-based): chr16:2,046,292, C>G on the plus strand (G>C on the coding strand, the complement: NTHL1 is on the minus strand). VCF-style: chr16-2046292-C-G. GRCh37 (hg19) VCF-style: chr16-2096293-C-G.
Other names: c.190G>C, p.Asp64His (NM_001318193.2); c.12G>C, p.Arg4= (NM_001318194.2); c.214G>C (NM_002528.5); short protein forms D64H.
Identifiers: ClinVar variation 2859725 (VCV002859725.4), dbSNP rs2150946813, ClinGen allele CA394297691.

ClinVar aggregate classification (germline): Conflicting classifications of pathogenicity. Review status: criteria provided, conflicting classifications (1 of 4 stars). 2 submissions from 2 submitters: Uncertain significance (1); Likely benign (1). Last evaluated 2024-08-08.

Conditions:
Hereditary cancer-predisposing syndrome. Also called: Neoplastic Syndromes, Hereditary; Hereditary neoplastic syndrome; Tumor predisposition; Hereditary Cancer Syndrome. Identifiers: Orphanet 140162, MedGen C0027672, MeSH D009386, MONDO:0015356.

Submissions (2):

Ambry Genetics
Classification: Likely benign for Hereditary cancer-predisposing syndrome. Last evaluated: 2024-08-08. Review status: criteria provided, single submitter. Criteria: Ambry Variant Classification Scheme 2023. Collection method: clinical testing. Allele origin: germline.

Labcorp Genetics (formerly Invitae), Labcorp
Classification: Uncertain significance. Last evaluated: 2023-04-27. Review status: criteria provided, single submitter. Criteria: Invitae Variant Classification Sherloc (09022015). Collection method: clinical testing. Allele origin: germline.
Comment: This variant has not been reported in the literature in individuals affected with NTHL1-related conditions. In summary, the available evidence is currently insufficient to determine the role of this variant in disease. Therefore, it has been classified as a Variant of Uncertain Significance. Algorithms developed to predict the effect of missense changes on protein structure and function output the following: SIFT: "Not Available"; PolyPhen-2: "Benign"; Align-GVGD: "Not Available". The histidine amino acid residue is found in multiple mammalian species, which suggests that this missense change does not adversely affect protein function. This variant is not present in population databases (gnomAD no frequency). This sequence change replaces aspartic acid, which is acidic and polar, with histidine, which is basic and polar, at codon 72 of the NTHL1 protein (p.Asp72His).